The following is an entry in ClinVar:

NM_002473.6(MYH9):c.5563C>T (p.Arg1855Trp)

Gene: MYH9 (myosin heavy chain 9; minus strand). Cytogenetic location: 22q12.3.
Variant type: single nucleotide variant.
Coding change: c.5563C>T on transcript NM_002473.6 (MANE Select); coding-DNA position 5563, C replaced by T.
Protein change: p.Arg1855Trp; replaces arginine 1855 with tryptophan.
Molecular consequence: missense variant.
Genome position (GRCh38, 1-based): chr22:36,284,432, G>A on the plus strand (C>T on the coding strand, the complement: MYH9 is on the minus strand). VCF-style: chr22-36284432-G-A. GRCh37 (hg19) VCF-style: chr22-36680478-G-A.
Other names: c.5563C>T (NM_002473.4); short protein forms R1855W.
Identifiers: ClinVar variation 441002 (VCV000441002.4), dbSNP rs1436597250, ClinGen allele CA411372893.

ClinVar aggregate classification (germline): Uncertain significance (1 of 4 stars; one submission).

Conditions:
Macrothrombocytopenia and granulocyte inclusions with or without nephritis or sensorineural hearing loss (MATINS). Also called: DOHLE LEUKOCYTE INCLUSIONS WITH GIANT PLATELETS; MACROTHROMBOCYTOPENIA WITH LEUKOCYTE INCLUSIONS; MYH9-Related Disease (MYH9-RD); BLEEDING DISORDER, PLATELET-TYPE, 6; MAY-HEGGLIN ANOMALY; SEBASTIAN PLATELET SYNDROME. Identifiers: Orphanet 182050, MedGen C5200934, MONDO:0015912, OMIM 155100.

Allele frequency attached by ClinVar (database versions not stated): gnomAD exomes below 0.00001.
gnomAD v4.1: 1 of 1,613,126 alleles (0.000062%); highest among the groups gnomAD compares: Non-Finnish European, 0.000085%; no homozygotes.

Submission:

GeneDx
Classification: Uncertain significance. Last evaluated: 2024-05-21. Review status: criteria provided, single submitter. Criteria: GeneDx Variant Classification Process June 2021. Collection method: clinical testing. Allele origin: germline. Affected: yes.
Comment: Not observed at significant frequency in large population cohorts (gnomAD); In silico analysis supports that this missense variant has a deleterious effect on protein structure/function; Has not been previously published as pathogenic or benign to our knowledge